The following is an entry in ClinVar:

NM_004656.4(BAP1):c.883G>A (p.Val295Met)

Gene: BAP1 (BRCA1 associated deubiquitinase 1; minus strand). Cytogenetic location: 3p21.1.
Variant type: single nucleotide variant.
Coding change: c.883G>A on transcript NM_004656.4 (MANE Select); coding-DNA position 883, G replaced by A.
Protein change: p.Val295Met; replaces valine 295 with methionine.
Molecular consequence: missense variant.
Genome position (GRCh38, 1-based): chr3:52,405,813, C>T on the plus strand (G>A on the coding strand, the complement: BAP1 is on the minus strand). VCF-style: chr3-52405813-C-T. GRCh37 (hg19) VCF-style: chr3-52439829-C-T.
Other names: c.883G>A (NM_004656.2); short protein forms V295M.
Identifiers: ClinVar variation 1417643 (VCV001417643.11), dbSNP rs746925345, ClinGen allele CA353106657.
Genomic context (GRCh38, chr3:52,405,813, plus strand): 5'-ACCCCCCAGTACCTGTGTGGTTGCCCTCAGAGGCTGCAGGGGCCCTGTTTGCTTCCAGCA[C>T]CAGCGGGGACTTGTTGCTGGCTGACTTGGACTCCTCAGGCAGCTGTGACTCTTGAGACTT-3'
Protein context (NP_004647.1, residues 285-305): SKSASNKSPL[Val295Met]LEANRAPAAS

ClinVar aggregate classification (germline): Conflicting classifications of pathogenicity. Review status: criteria provided, conflicting classifications (1 of 4 stars). 2 submissions from 2 submitters: Uncertain significance (1); Likely benign (1). Last evaluated 2024-12-06.

Conditions:
BAP1-related tumor predisposition syndrome (TPDS1). Also called: COMMON Syndrome; BAP1 tumor predisposition syndrome; Tumor susceptibility linked to germline BAP1 mutations; TUMOR PREDISPOSITION SYNDROME 1. Identifiers: Orphanet 289539, MedGen C3280492, MONDO:0013692, OMIM 614327.
Hereditary cancer-predisposing syndrome. Also called: Hereditary Cancer Syndrome; Tumor predisposition; Hereditary neoplastic syndrome; Neoplastic Syndromes, Hereditary. Identifiers: Orphanet 140162, MedGen C0027672, MeSH D009386, MONDO:0015356.

Submissions (2):

Ambry Genetics
Classification: Likely benign for Hereditary cancer-predisposing syndrome. Last evaluated: 2024-12-06. Review status: criteria provided, single submitter. Criteria: Ambry Variant Classification Scheme 2023. Collection method: clinical testing. Allele origin: germline.

Labcorp Genetics (formerly Invitae), Labcorp
Classification: Uncertain significance for BAP1-related tumor predisposition syndrome. Last evaluated: 2024-10-06. Review status: criteria provided, single submitter. Criteria: Invitae Variant Classification Sherloc (09022015). Collection method: clinical testing. Allele origin: germline.
Comment: This sequence change replaces valine, which is neutral and non-polar, with methionine, which is neutral and non-polar, at codon 295 of the BAP1 protein (p.Val295Met). This variant is not present in population databases (gnomAD no frequency). This variant has not been reported in the literature in individuals affected with BAP1-related conditions. ClinVar contains an entry for this variant (Variation ID: 1417643). An algorithm developed to predict the effect of missense changes on protein structure and function (PolyPhen-2) suggests that this variant is likely to be tolerated. In summary, the available evidence is currently insufficient to determine the role of this variant in disease. Therefore, it has been classified as a Variant of Uncertain Significance.